The following is an entry in ClinVar:

ClinVar aggregate classification (germline): Likely pathogenic. Review status: criteria provided, multiple submitters, no conflicts (2 of 4 stars). 2 submissions from 2 submitters: Likely pathogenic (2). Last evaluated 2022-07-12.

Conditions:
Dilated cardiomyopathy 1G (CMD1G). Identifiers: Orphanet 154, MedGen C1858763, MONDO:0011400, OMIM 604145.
Autosomal recessive limb-girdle muscular dystrophy type 2J (LGMDR10). Also called: MUSCULAR DYSTROPHY, LIMB-GIRDLE, AUTOSOMAL RECESSIVE 10; Limb-girdle muscular dystrophy, type 2J. Identifiers: Orphanet 140922, MedGen C1837342, MONDO:0012127, OMIM 608807.

Submissions (2):

Labcorp Genetics (formerly Invitae), Labcorp
Classification: Likely pathogenic for Dilated cardiomyopathy 1G; Autosomal recessive limb-girdle muscular dystrophy type 2J. Last evaluated: 2022-07-12. Review status: criteria provided, single submitter. Criteria: Invitae Variant Classification Sherloc (09022015). Collection method: clinical testing. Allele origin: germline.
Comment: This variant is located in the A band of TTN (PMID: 25589632). Truncating variants in this region are significantly overrepresented in patients affected with dilated cardiomyopathy (PMID: 25589632). Truncating variants in this region have also been reported in individuals affected with autosomal recessive centronuclear myopathy (PMID: 23975875). In summary, the currently available evidence indicates that the variant is pathogenic, but additional data are needed to prove that conclusively. Therefore, this variant has been classified as Likely Pathogenic. Algorithms developed to predict the effect of sequence changes on RNA splicing suggest that this variant may create or strengthen a splice site. ClinVar contains an entry for this variant (Variation ID: 944764). This variant has not been reported in the literature in individuals affected with TTN-related conditions. This variant is not present in population databases (gnomAD no frequency). This sequence change creates a premature translational stop signal (p.Glu31998*) in the TTN gene. While this is not anticipated to result in nonsense mediated decay, it is expected to create a truncated TTN protein.

Revvity Omics, Revvity
Classification: Likely pathogenic. Last evaluated: 2022-02-04. Review status: criteria provided, single submitter. Criteria: ACMG Guidelines, 2015. Collection method: clinical testing. Allele origin: germline.

Literature cited by the submitters: PubMed 25589632 (cited by Labcorp Genetics (formerly Invitae), Labcorp); PubMed 23975875 (cited by Labcorp Genetics (formerly Invitae), Labcorp).

NM_001267550.2(TTN):c.95992G>T (p.Glu31998Ter)

Genes: TTN (titin; minus strand), TTN-AS1 (TTN antisense RNA 1; plus strand). Cytogenetic location: 2q31.2.
Variant type: single nucleotide variant.
Coding change: c.95992G>T on transcript NM_001267550.2 (MANE Select); coding-DNA position 95992, G replaced by T.
Protein change: p.Glu31998Ter; replaces glutamic acid 31998 with a stop codon.
Molecular consequence: nonsense.
Genome position (GRCh38, 1-based): chr2:178,544,237, C>A on the plus strand (G>T on the coding strand, the complement: TTN is on the minus strand). VCF-style: chr2-178544237-C-A. GRCh37 (hg19) VCF-style: chr2-179408964-C-A.
Other names: c.91069G>T, p.Glu30357Ter (NM_001256850.1); c.68797G>T, p.Glu22933Ter (NM_003319.4); c.88288G>T, p.Glu29430Ter (NM_133378.4); c.69172G>T, p.Glu23058Ter (NM_133432.3); c.69373G>T, p.Glu23125Ter (NM_133437.4); short protein forms E22933*, E29430*, E31998*, E23125*, E30357*, E23058*.
Identifiers: ClinVar variation 944764 (VCV000944764.12), dbSNP rs775585263, ClinGen allele CA349455229.